The following is an entry in ClinVar:

NM_000094.4(COL7A1):c.6245G>T (p.Gly2082Val)

Gene: COL7A1 (collagen type VII alpha 1 chain; minus strand). Cytogenetic location: 3p21.31.
Variant type: single nucleotide variant.
Coding change: c.6245G>T on transcript NM_000094.4 (MANE Select); coding-DNA position 6245, G replaced by T.
Protein change: p.Gly2082Val; replaces glycine 2082 with valine.
Molecular consequence: missense variant.
Genome position (GRCh38, 1-based): chr3:48,575,098, C>A on the plus strand (G>T on the coding strand, the complement: COL7A1 is on the minus strand). VCF-style: chr3-48575098-C-A. GRCh37 (hg19) VCF-style: chr3-48612531-C-A.
Other names: short protein forms G2082V.
Identifiers: ClinVar variation 1488769 (VCV001488769.6), dbSNP rs2107671899, ClinGen allele CA352662269.

ClinVar aggregate classification (germline): Uncertain significance (1 of 4 stars; one submission).

Submission:

Labcorp Genetics (formerly Invitae), Labcorp
Classification: Uncertain significance. Last evaluated: 2021-10-12. Review status: criteria provided, single submitter. Criteria: Invitae Variant Classification Sherloc (09022015). Collection method: clinical testing. Allele origin: germline.
Comment: This variant disrupts the triple helix domain of COL7A1. Glycine residues within the Gly-Xaa-Yaa repeats of the triple helix domain are required for the structure and stability of fibrillar collagens (PMID: 7695699, 8218237, 19344236), and variants at these glycine residues in COL7A1 are more frequently observed in individuals with disease than in the general population (PMID: 22058051). However, the clinical significance of this observation remains uncertain since only a limited number of affected individuals have been described to date. This sequence change replaces glycine with valine at codon 2082 of the COL7A1 protein (p.Gly2082Val). The glycine residue is weakly conserved and there is a moderate physicochemical difference between glycine and valine. This variant is not present in population databases (ExAC no frequency). This missense change has been observed in individual(s) with clinical features of autosomal dominant dystrophic epidermolysis bullosa (PMID: 16971478). Advanced modeling of protein sequence and biophysical properties (such as structural, functional, and spatial information, amino acid conservation, physicochemical variation, residue mobility, and thermodynamic stability) performed at Invitae indicates that this missense variant is expected to disrupt COL7A1 protein function. In summary, the available evidence is currently insufficient to determine the role of this variant in disease. Therefore, it has been classified as a Variant of Uncertain Significance.

Literature cited by the submitters: PubMed 7695699; PubMed 8218237; PubMed 19344236; PubMed 22058051; PubMed 16971478.